The following is an entry in ClinVar:

ClinVar aggregate classification (germline): Uncertain significance. Review status: criteria provided, multiple submitters, no conflicts (2 of 4 stars). 2 submissions from 2 submitters: Uncertain significance (2). Last evaluated 2023-08-19.

Submissions (2):

Labcorp Genetics (formerly Invitae), Labcorp
Classification: Uncertain significance. Last evaluated: 2023-08-19. Review status: criteria provided, single submitter. Criteria: Invitae Variant Classification Sherloc (09022015). Collection method: clinical testing. Allele origin: germline.
Comment: This sequence change replaces leucine, which is neutral and non-polar, with proline, which is neutral and non-polar, at codon 136 of the APOA5 protein (p.Leu136Pro). This variant is not present in population databases (gnomAD no frequency). This variant has not been reported in the literature in individuals affected with APOA5-related conditions. ClinVar contains an entry for this variant (Variation ID: 1677337). An algorithm developed to predict the effect of missense changes on protein structure and function (PolyPhen-2) suggests that this variant is likely to be disruptive. In summary, the available evidence is currently insufficient to determine the role of this variant in disease. Therefore, it has been classified as a Variant of Uncertain Significance.

AiLife Diagnostics
Classification: Uncertain significance. Last evaluated: 2021-07-09. Review status: criteria provided, single submitter. Criteria: ACMG Guidelines, 2015. Collection method: clinical testing. Allele origin: germline. Affected: yes. Observed: 1 variant allele.

NM_001371904.1(APOA5):c.407T>C (p.Leu136Pro)

Gene: APOA5 (apolipoprotein A5; minus strand). Cytogenetic location: 11q23.3.
Variant type: single nucleotide variant.
Coding change: c.407T>C on transcript NM_001371904.1 (MANE Select); coding-DNA position 407, T replaced by C.
Protein change: p.Leu136Pro; replaces leucine 136 with proline.
Molecular consequence: missense variant.
Genome position (GRCh38, 1-based): chr11:116,790,822, A>G on the plus strand (T>C on the coding strand, the complement: APOA5 is on the minus strand). VCF-style: chr11-116790822-A-G. GRCh37 (hg19) VCF-style: chr11-116661538-A-G.
Other names: c.407T>C, p.Leu136Pro (NM_001166598.2, NM_052968.5); short protein forms L136P.
Identifiers: ClinVar variation 1677337 (VCV001677337.4), dbSNP rs2134203531, ClinGen allele CA382738510.